The following is an entry in ClinVar:

NM_025179.4(PLXNA2):c.2396-6T>C

Gene: PLXNA2 (plexin A2; minus strand). Cytogenetic location: 1q32.2.
Variant type: single nucleotide variant.
Coding change: c.2396-6T>C on transcript NM_025179.4 (MANE Select); 6 bases into the intron before coding-DNA position 2396, T replaced by C.
Molecular consequence: intron variant.
Genome position (GRCh38, 1-based): chr1:208,079,456, A>G on the plus strand (T>C on the coding strand, the complement: PLXNA2 is on the minus strand). VCF-style: chr1-208079456-A-G. GRCh37 (hg19) VCF-style: chr1-208252801-A-G.
Identifiers: ClinVar variation 3354660 (VCV003354660.1).

ClinVar aggregate classification (germline): Likely benign (0 of 4 stars; one submission).

Conditions:
PLXNA2-related disorder. Also called: PLXNA2-related condition.

gnomAD v4.1: 2 of 1,567,398 alleles (0.00013%); highest among the groups gnomAD compares: African/African-American, 0.0027%; no homozygotes.

Submission:

PreventionGenetics, part of Exact Sciences
Classification: Likely benign for PLXNA2-related condition. Last evaluated: 2021-09-11. Review status: no assertion criteria provided. Collection method: clinical testing. Allele origin: germline.
Comment: This variant is classified as likely benign based on ACMG/AMP sequence variant interpretation guidelines (Richards et al. 2015 PMID: 25741868, with internal and published modifications).